The following is an entry in ClinVar:

ClinVar aggregate classification (germline): Uncertain significance (1 of 4 stars; one submission).

Conditions:
Hereditary cancer-predisposing syndrome. Also called: Hereditary Cancer Syndrome; Neoplastic Syndromes, Hereditary; Tumor predisposition; Hereditary neoplastic syndrome. Identifiers: Orphanet 140162, MedGen C0027672, MeSH D009386, MONDO:0015356.

Submission:

Ambry Genetics
Classification: Uncertain significance for Hereditary cancer-predisposing syndrome. Last evaluated: 2026-09-08. Review status: criteria provided, single submitter. Criteria: Ambry Variant Classification Scheme 2023. Collection method: clinical testing. Allele origin: germline.
Comment: The p.W554L variant (also known as c.1661G>T), located in coding exon 9 of the ALK gene, results from a G to T substitution at nucleotide position 1661. The tryptophan at codon 554 is replaced by leucine, an amino acid with similar properties. This amino acid position is highly conserved in available vertebrate species. In addition, the in silico prediction for this alteration is inconclusive. Based on the available evidence, the clinical significance of this variant remains unclear.

NM_004304.5(ALK):c.1661G>T (p.Trp554Leu)

Gene: ALK (ALK receptor tyrosine kinase; minus strand). Cytogenetic location: 2p23.2.
Variant type: single nucleotide variant.
Coding change: c.1661G>T on transcript NM_004304.5 (MANE Select); coding-DNA position 1661, G replaced by T.
Protein change: p.Trp554Leu; replaces tryptophan 554 with leucine.
Molecular consequence: missense variant.
Genome position (GRCh38, 1-based): chr2:29,297,044, C>A on the plus strand (G>T on the coding strand, the complement: ALK is on the minus strand). VCF-style: chr2-29297044-C-A. GRCh37 (hg19) VCF-style: chr2-29519910-C-A.
Other names: short protein forms W554L.
Identifiers: ClinVar variation 5034798 (VCV005034798.1).